The following is an entry in ClinVar:

NM_020812.4(DOCK6):c.1517A>C (p.Asn506Thr)

Gene: DOCK6 (dedicator of cytokinesis 6; minus strand). Cytogenetic location: 19p13.2.
Variant type: single nucleotide variant.
Coding change: c.1517A>C on transcript NM_020812.4 (MANE Select); coding-DNA position 1517, A replaced by C.
Protein change: p.Asn506Thr; replaces asparagine 506 with threonine.
Molecular consequence: missense variant.
Genome position (GRCh38, 1-based): chr19:11,242,171, T>G on the plus strand (A>C on the coding strand, the complement: DOCK6 is on the minus strand). VCF-style: chr19-11242171-T-G. GRCh37 (hg19) VCF-style: chr19-11352847-T-G.
Other names: c.1517A>C, p.Asn506Thr (NM_001367830.1); short protein forms N506T.
Identifiers: ClinVar variation 2649322 (VCV002649322.24), dbSNP rs1242641341, ClinGen allele CA404107751.

ClinVar aggregate classification (germline): Uncertain significance (1 of 4 stars; one submission).

Allele frequency attached by ClinVar (database versions not stated): gnomAD exomes 0.00001.
gnomAD v4.1: 4 of 1,458,774 alleles (0.00027%); highest among the groups gnomAD compares: Non-Finnish European, 0.00036%; no homozygotes.

Submission:

CeGaT Center for Human Genetics Tuebingen
Classification: Uncertain significance. Last evaluated: 2023-08-01. Review status: criteria provided, single submitter. Criteria: CeGaT Center For Human Genetics Tuebingen Variant Classification Criteria Version 2. Collection method: clinical testing. Allele origin: germline. Affected: yes. Observed: 1 variant allele.
Comment: DOCK6: PM2